The following is an entry in ClinVar:

NM_003743.5(NCOA1):c.3421G>C (p.Gly1141Arg)

Gene: NCOA1 (nuclear receptor coactivator 1; plus strand). Cytogenetic location: 2p23.3.
Variant type: single nucleotide variant.
Coding change: c.3421G>C on transcript NM_003743.5 (MANE Select); coding-DNA position 3421, G replaced by C.
Protein change: p.Gly1141Arg; replaces glycine 1141 with arginine.
Molecular consequence: missense variant.
Genome position (GRCh38, 1-based): chr2:24,741,901, G>C. VCF-style: chr2-24741901-G-C. GRCh37 (hg19) VCF-style: chr2-24964770-G-C.
Other names: c.3421G>C, p.Gly1141Arg (NM_001362950.1, NM_001362952.1, NM_001362954.1 and 3 more transcripts); short protein forms G1141R.
Identifiers: ClinVar variation 3347811 (VCV003347811.1).

ClinVar aggregate classification (germline): Uncertain significance (0 of 4 stars; one submission).

Conditions:
NCOA1-related disorder. Also called: NCOA1-related condition.

gnomAD v4.1: 1 of 1,614,200 alleles (0.000062%); highest among the groups gnomAD compares: Non-Finnish European, 0.000085%; no homozygotes.

Submission:

PreventionGenetics, part of Exact Sciences
Classification: Uncertain significance for NCOA1-related condition. Last evaluated: 2024-05-17. Review status: no assertion criteria provided. Collection method: clinical testing. Allele origin: germline.
Comment: The NCOA1 c.3421G>C variant is predicted to result in the amino acid substitution p.Gly1141Arg. To our knowledge, this variant has not been reported in the literature or in a large population database, indicating this variant is rare. At this time, the clinical significance of this variant is uncertain due to the absence of conclusive functional and genetic evidence.